The following is an entry in ClinVar:

NM_015346.4(ZFYVE26):c.6905A>G (p.Tyr2302Cys)

Gene: ZFYVE26 (zinc finger FYVE-type containing 26; minus strand). Cytogenetic location: 14q24.1.
Variant type: single nucleotide variant.
Coding change: c.6905A>G on transcript NM_015346.4 (MANE Select); coding-DNA position 6905, A replaced by G.
Protein change: p.Tyr2302Cys; replaces tyrosine 2302 with cysteine.
Molecular consequence: missense variant.
Genome position (GRCh38, 1-based): chr14:67,755,132, T>C on the plus strand (A>G on the coding strand, the complement: ZFYVE26 is on the minus strand). VCF-style: chr14-67755132-T-C. GRCh37 (hg19) VCF-style: chr14-68221849-T-C.
Other names: short protein forms Y2302C.
Identifiers: ClinVar variation 888328 (VCV000888328.5), dbSNP rs199939197, ClinGen allele CA262813804.

ClinVar aggregate classification (germline): Uncertain significance. Review status: criteria provided, multiple submitters, no conflicts (2 of 4 stars). 2 submissions from 2 submitters: Uncertain significance (2). Last evaluated 2022-08-22.

Conditions:
Spastic paraplegia. Identifiers: MedGen C0037772, HP:0001258.
Hereditary spastic paraplegia 15 (SPG15). Also called: SPASTIC PARAPLEGIA 15, AUTOSOMAL RECESSIVE; KJELLIN SYNDROME; SPASTIC PARAPLEGIA AND RETINAL DEGENERATION. Identifiers: Orphanet 100996, MedGen C1849128, MONDO:0010044, OMIM 270700.

Allele frequency attached by ClinVar (database versions not stated): gnomAD exomes below 0.00001; TOPMed 0.00001.
gnomAD v4.1: 1 of 1,614,148 alleles (0.000062%); highest among the groups gnomAD compares: Middle Eastern, 0.017%; no homozygotes.

Submissions (2):

Labcorp Genetics (formerly Invitae), Labcorp
Classification: Uncertain significance for Spastic paraplegia. Last evaluated: 2022-08-22. Review status: criteria provided, single submitter. Criteria: Invitae Variant Classification Sherloc (09022015). Collection method: clinical testing. Allele origin: germline.
Comment: This sequence change replaces tyrosine, which is neutral and polar, with cysteine, which is neutral and slightly polar, at codon 2302 of the ZFYVE26 protein (p.Tyr2302Cys). This variant is not present in population databases (gnomAD no frequency). This variant has not been reported in the literature in individuals affected with ZFYVE26-related conditions. ClinVar contains an entry for this variant (Variation ID: 888328). Algorithms developed to predict the effect of missense changes on protein structure and function (SIFT, PolyPhen-2, Align-GVGD) all suggest that this variant is likely to be tolerated. In summary, the available evidence is currently insufficient to determine the role of this variant in disease. Therefore, it has been classified as a Variant of Uncertain Significance.

Illumina Laboratory Services, Illumina
Classification: Uncertain significance for Hereditary spastic paraplegia 15. Last evaluated: 2018-01-12. Review status: criteria provided, single submitter. Criteria: ICSL Variant Classification Criteria 13 December 2019. Collection method: clinical testing. Allele origin: germline.